The following is an entry in ClinVar:

ClinVar aggregate classification (germline): Uncertain significance. Review status: criteria provided, multiple submitters, no conflicts (2 of 4 stars). 2 submissions from 2 submitters: Uncertain significance (2). Last evaluated 2024-05-07.

Conditions:
Desmin-related myofibrillar myopathy (MFM1). Also called: Desminopathy; MYOFIBRILLAR MYOPATHY WITH ARRHYTHMOGENIC RIGHT VENTRICULAR CARDIOMYOPATHY; DESMIN-RELATED MYOPATHY WITH ARRHYTHMOGENIC RIGHT VENTRICULAR CARDIOMYOPATHY; Myofibrillar myopathy 1; Desmin related myopathy (former name); Desmin storage myopathy (former name). Identifiers: Orphanet 363543, Orphanet 98909, MedGen C1832370, MONDO:0011076, OMIM 601419.

Submissions (2):

Labcorp Genetics (formerly Invitae), Labcorp
Classification: Uncertain significance for Desmin-related myofibrillar myopathy. Last evaluated: 2024-05-07. Review status: criteria provided, single submitter. Criteria: Invitae Variant Classification Sherloc (09022015). Collection method: clinical testing. Allele origin: germline.
Comment: This sequence change replaces arginine, which is basic and polar, with glycine, which is neutral and non-polar, at codon 222 of the DES protein (p.Arg222Gly). This variant is not present in population databases (gnomAD no frequency). This variant has not been reported in the literature in individuals affected with DES-related conditions. ClinVar contains an entry for this variant (Variation ID: 1314893). Advanced modeling of protein sequence and biophysical properties (such as structural, functional, and spatial information, amino acid conservation, physicochemical variation, residue mobility, and thermodynamic stability) performed at Invitae indicates that this missense variant is expected to disrupt DES protein function with a positive predictive value of 80%. In summary, the available evidence is currently insufficient to determine the role of this variant in disease. Therefore, it has been classified as a Variant of Uncertain Significance.

GeneDx
Classification: Uncertain significance. Last evaluated: 2020-02-14. Review status: criteria provided, single submitter. Criteria: GeneDx Variant Classification Process June 2021. Collection method: clinical testing. Allele origin: germline. Affected: yes.
Comment: Not observed in large population cohorts (Lek et al., 2016); In silico analysis supports that this missense variant has a deleterious effect on protein structure/function; Has not been previously published as pathogenic or benign to our knowledge

NM_001927.4(DES):c.664C>G (p.Arg222Gly)

Gene: DES (desmin; plus strand). Cytogenetic location: 2q35.
Variant type: single nucleotide variant.
Coding change: c.664C>G on transcript NM_001927.4 (MANE Select); coding-DNA position 664, C replaced by G.
Protein change: p.Arg222Gly; replaces arginine 222 with glycine.
Molecular consequence: missense variant. On other transcripts: intron variant (1).
Genome position (GRCh38, 1-based): chr2:219,420,275, C>G. VCF-style: chr2-219420275-C-G. GRCh37 (hg19) VCF-style: chr2-220284997-C-G.
Other names: c.661C>G, p.Arg221Gly (NM_001382708.1); c.664C>G, p.Arg222Gly (NM_001382709.1, NM_001382710.1, NM_001382711.1 and 1 more transcripts); c.496-250C>G (NM_001382713.1); short protein forms R221G, R222G.
Identifiers: ClinVar variation 1314893 (VCV001314893.4), dbSNP rs374687448, ClinGen allele CA350690286.